The following is an entry in ClinVar:

NM_001080467.3(MYO5B):c.473C>A (p.Ser158Tyr)

Gene: MYO5B (myosin VB; minus strand). Cytogenetic location: 18q21.1.
Variant type: single nucleotide variant.
Coding change: c.473C>A on transcript NM_001080467.3 (MANE Select); coding-DNA position 473, C replaced by A.
Protein change: p.Ser158Tyr; replaces serine 158 with tyrosine.
Molecular consequence: missense variant.
Genome position (GRCh38, 1-based): chr18:50,001,394, G>T on the plus strand (C>A on the coding strand, the complement: MYO5B is on the minus strand). VCF-style: chr18-50001394-G-T. GRCh37 (hg19) VCF-style: chr18-47527764-G-T.
Other names: c.473C>A (NM_001080467.2); short protein forms S158Y.
Identifiers: ClinVar variation 2186604 (VCV002186604.5), dbSNP rs993447719, ClinGen allele CA402440046.
Genomic context (GRCh38, chr18:50,001,394, plus strand): 5'-CGCATGGCATACTTGGCTGATACCGTCTTCCCGGCTCCAGACTCCCCACTGACTATGATG[G>T]ACTGATTCTTCTCATCTCTGGAAGGAAAAAAGCTCTGATAAGTCATTGGCCATGGAAAGG-3'
Protein context (NP_001073936.1, residues 148-168): KQMARDEKNQ[Ser158Tyr]IIVSGESGAG

ClinVar aggregate classification (germline): Uncertain significance. Review status: criteria provided, multiple submitters, no conflicts (2 of 4 stars). 2 submissions from 2 submitters: Uncertain significance (2). Last evaluated 2025-03-31.

Conditions:
Inborn genetic diseases. Identifiers: MedGen C0950123, MeSH D030342.

Allele frequency attached by ClinVar (database versions not stated): gnomAD 0.00001; gnomAD exomes 0.00001; TOPMed 0.00001.
gnomAD v4.1: 18 of 1,614,012 alleles (0.0011%); highest among the groups gnomAD compares: Non-Finnish European, 0.0014%; no homozygotes.

Submissions (2):

Ambry Genetics
Classification: Uncertain significance for Inborn genetic diseases. Last evaluated: 2025-03-31. Review status: criteria provided, single submitter. Criteria: Ambry Variant Classification Scheme 2023. Collection method: clinical testing. Allele origin: germline.

Labcorp Genetics (formerly Invitae), Labcorp
Classification: Uncertain significance. Last evaluated: 2022-06-17. Review status: criteria provided, single submitter. Criteria: Invitae Variant Classification Sherloc (09022015). Collection method: clinical testing. Allele origin: germline.
Comment: This sequence change replaces serine, which is neutral and polar, with tyrosine, which is neutral and polar, at codon 158 of the MYO5B protein (p.Ser158Tyr). In summary, the available evidence is currently insufficient to determine the role of this variant in disease. Therefore, it has been classified as a Variant of Uncertain Significance. Algorithms developed to predict the effect of missense changes on protein structure and function are either unavailable or do not agree on the potential impact of this missense change (SIFT: "Deleterious"; PolyPhen-2: "Probably Damaging"; Align-GVGD: "Class C0"). This variant has not been reported in the literature in individuals affected with MYO5B-related conditions. This variant is present in population databases (no rsID available, gnomAD 0.002%).